The following is an entry in ClinVar:

ClinVar aggregate classification (germline): Uncertain significance (1 of 4 stars; one submission).

Conditions:
Inborn genetic diseases. Identifiers: MedGen C0950123, MeSH D030342.

Submission:

Ambry Genetics
Classification: Uncertain significance for Inborn genetic diseases. Last evaluated: 2018-11-26. Review status: criteria provided, single submitter. Criteria: Ambry Variant Classification Scheme 2023. Collection method: clinical testing. Allele origin: germline.
Comment: The p.G70R variant (also known as c.208G>C), located in coding exon 1 of the HCN1 gene, results from a G to C substitution at nucleotide position 208. The glycine at codon 70 is replaced by arginine, an amino acid with dissimilar properties. This amino acid position is not well conserved in available vertebrate species. In addition, the in silico prediction for this alteration is inconclusive. Since supporting evidence is limited at this time, the clinical significance of this alteration remains unclear.

NM_021072.4(HCN1):c.208G>C (p.Gly70Arg)

Gene: HCN1 (hyperpolarization activated cyclic nucleotide gated potassium channel 1; minus strand). Cytogenetic location: 5p12.
Variant type: single nucleotide variant.
Coding change: c.208G>C on transcript NM_021072.4 (MANE Select); coding-DNA position 208, G replaced by C.
Protein change: p.Gly70Arg; replaces glycine 70 with arginine.
Molecular consequence: missense variant.
Genome position (GRCh38, 1-based): chr5:45,695,886, C>G on the plus strand (G>C on the coding strand, the complement: HCN1 is on the minus strand). VCF-style: chr5-45695886-C-G. GRCh37 (hg19) VCF-style: chr5-45695988-C-G.
Other names: short protein forms G70R.
Identifiers: ClinVar variation 1785721 (VCV001785721.2), dbSNP rs1255330911, ClinGen allele CA359706521.
Genomic context (GRCh38, chr5:45,695,886, plus strand): 5'-GCCGCCGGGGCCCCTCGGCGTCTTCGAAGCCCCCCGCCGGCTCCTCGCCGCCGCCGCCGC[C>G]GCCGCCACCGCCGCCACCGCCGTCCACCTTGAAGCACACGGAGTTGCCGTGCTCCTTCGC-3'
Protein context (NP_066550.2, residues 60-80): KVDGGGGGGG[Gly70Arg]GGGGEEPAGG